The following is an entry in ClinVar:

ClinVar aggregate classification (germline): Likely pathogenic (1 of 4 stars; one submission).

Allele frequency attached by ClinVar (database versions not stated): gnomAD exomes below 0.00001.
gnomAD v4.1: 1 of 1,603,326 alleles (0.000062%); highest among the groups gnomAD compares: Non-Finnish European, 0.000085%; no homozygotes.

Submission:

Labcorp Genetics (formerly Invitae), Labcorp
Classification: Likely pathogenic. Last evaluated: 2023-04-07. Review status: criteria provided, single submitter. Criteria: Invitae Variant Classification Sherloc (09022015). Collection method: clinical testing. Allele origin: germline.
Comment: In summary, the currently available evidence indicates that the variant is pathogenic, but additional data are needed to prove that conclusively. Therefore, this variant has been classified as Likely Pathogenic. Algorithms developed to predict the effect of sequence changes on RNA splicing suggest that this variant may disrupt the consensus splice site. This variant has not been reported in the literature in individuals affected with COL17A1-related conditions. This variant is not present in population databases (gnomAD no frequency). This sequence change affects a donor splice site in intron 40 of the COL17A1 gene. It is expected to disrupt RNA splicing. Variants that disrupt the donor or acceptor splice site typically lead to a loss of protein function (PMID: 16199547), and loss-of-function variants in COL17A1 are known to be pathogenic (PMID: 16473856, 17344927, 20301304, 21357940, 24319098).

Literature cited by the submitters: PubMed 16199547; PubMed 16473856; PubMed 17344927; PubMed 20301304; PubMed 21357940; PubMed 24319098.

NM_000494.4(COL17A1):c.2761+1G>A

Gene: COL17A1 (collagen type XVII alpha 1 chain; minus strand). Cytogenetic location: 10q25.1.
Variant type: single nucleotide variant.
Coding change: c.2761+1G>A on transcript NM_000494.4 (MANE Select); the canonical splice donor site of the intron after coding-DNA position 2761, G replaced by A.
Molecular consequence: splice donor variant.
Genome position (GRCh38, 1-based): chr10:104,040,350, C>T on the plus strand (G>A on the coding strand, the complement: COL17A1 is on the minus strand). VCF-style: chr10-104040350-C-T. GRCh37 (hg19) VCF-style: chr10-105800108-C-T.
Identifiers: ClinVar variation 2853141 (VCV002853141.3), dbSNP rs2493298308, ClinGen allele CA378068050.